The following is an entry in ClinVar:

ClinVar aggregate classification (germline): Benign (1 of 4 stars; one submission).

Allele frequency attached by ClinVar (database versions not stated): 1000 Genomes Project 0.00260; 1000 Genomes Project 30x 0.00281; TOPMed 0.00593; gnomAD exomes 0.03084.
gnomAD v4.1: 1,184 of 151,980 alleles (0.78%); highest among the groups gnomAD compares: Non-Finnish European, 1.1%; 7 homozygotes.

Submission:

CeGaT Center for Human Genetics Tuebingen
Classification: Benign. Last evaluated: 2023-03-01. Review status: criteria provided, single submitter. Criteria: CeGaT Center For Human Genetics Tuebingen Variant Classification Criteria Version 2. Collection method: clinical testing. Allele origin: germline. Affected: yes. Observed: 9 variant alleles.
Comment: ENSG00000286708: BS1, BS2; SHANK2: BS1, BS2

NM_012309.5(SHANK2):c.1174+959A>T

Gene: SHANK2 (SH3 and multiple ankyrin repeat domains 2; minus strand). Cytogenetic location: 11q13.4.
Variant type: single nucleotide variant.
Coding change: c.1174+959A>T on transcript NM_012309.5 (MANE Select); 959 bases into the intron after coding-DNA position 1174, A replaced by T.
Molecular consequence: intron variant.
Genome position (GRCh38, 1-based): chr11:70,895,542, T>A on the plus strand (A>T on the coding strand, the complement: SHANK2 is on the minus strand). VCF-style: chr11-70895542-T-A. GRCh37 (hg19) VCF-style: chr11-70741647-T-A.
Identifiers: ClinVar variation 1711322 (VCV001711322.29), dbSNP rs146288341, ClinGen allele CA224950496.